The following is an entry in ClinVar:

ClinVar aggregate classification (germline): Uncertain significance (1 of 4 stars; one submission).

gnomAD v4.1: 3 of 1,614,192 alleles (0.00019%); highest among the groups gnomAD compares: Admixed American, 0.0033%; no homozygotes.

Submission:

GeneDx
Classification: Uncertain significance. Last evaluated: 2026-04-24. Review status: criteria provided, single submitter. Criteria: GeneDx Variant Classification Process June 2021. Collection method: clinical testing. Allele origin: germline.
Comment: Not observed at significant frequency in large population cohorts (gnomAD); In silico analysis suggests that this missense variant does not alter protein structure/function; Has not been previously published as pathogenic or benign to our knowledge

NM_144672.4(OTOA):c.1843A>G (p.Arg615Gly)

Gene: OTOA (otoancorin). Cytogenetic location: 16p12.2.
Variant type: single nucleotide variant.
Coding change: c.1843A>G on transcript NM_144672.4 (MANE Select); coding-DNA position 1843, A replaced by G.
Protein change: p.Arg615Gly; replaces arginine 615 with glycine.
Molecular consequence: missense variant.
Genome position (GRCh38, 1-based): chr16:21,722,941, A>G. VCF-style: chr16-21722941-A-G. GRCh37 (hg19) VCF-style: chr16-21734262-A-G.
Other names: c.1606A>G, p.Arg536Gly (NM_001161683.2); c.871A>G, p.Arg291Gly (NM_170664.3); short protein forms R291G, R536G, R615G.
Identifiers: ClinVar variation 5037718 (VCV005037718.1).